The following is an entry in ClinVar:

NM_001365276.2(TNXB):c.6187C>T (p.Arg2063Cys)

Gene: TNXB (tenascin XB; minus strand). Cytogenetic location: 6p21.33.
Variant type: single nucleotide variant.
Coding change: c.6187C>T on transcript NM_001365276.2 (MANE Select); coding-DNA position 6187, C replaced by T.
Protein change: p.Arg2063Cys; replaces arginine 2063 with cysteine.
Molecular consequence: missense variant.
Genome position (GRCh38, 1-based): chr6:32,068,423, G>A on the plus strand (C>T on the coding strand, the complement: TNXB is on the minus strand). VCF-style: chr6-32068423-G-A. GRCh37 (hg19) VCF-style: chr6-32036200-G-A.
Other names: c.6187C>T, p.Arg2063Cys (NM_019105.8); short protein forms R2063C.
Identifiers: ClinVar variation 1314041 (VCV001314041.3), dbSNP rs375148651, ClinGen allele CA136886537.
Genomic context (GRCh38, chr6:32,068,423, plus strand): 5'-ACCCTGGGGCTCCCATCATCCACTCACCTGTCACCCCGACGACAGACACAGGGCCCATGC[G>A]CTGGCCACCGTGGAAGCCGTACAGGTTCATCTTGTATTTATGGTCTGGCTCCAGGCCCGA-3'
Protein context (NP_001352205.1, residues 2053-2073): MNLYGFHGGQ[Arg2063Cys]MGPVSVVGVT

ClinVar aggregate classification (germline): Uncertain significance. Review status: criteria provided, multiple submitters, no conflicts (2 of 4 stars). 2 submissions from 2 submitters: Uncertain significance (2). Last evaluated 2026-07-21.

Conditions:
Cardiovascular phenotype. Identifiers: MedGen CN230736.

Allele frequency attached by ClinVar (database versions not stated): 1000 Genomes Project 30x 0.00016; gnomAD 0.00001; gnomAD exomes below 0.00001.
gnomAD v4.1: 6 of 1,613,808 alleles (0.00037%); highest among the groups gnomAD compares: East Asian, 0.0022%; no homozygotes.

Submissions (2):

Ambry Genetics
Classification: Uncertain significance for Cardiovascular phenotype. Last evaluated: 2026-07-21. Review status: criteria provided, single submitter. Criteria: Ambry Variant Classification Scheme 2023. Collection method: clinical testing. Allele origin: germline.
Comment: The p.R2063C variant (also known as c.6187C>T), located in coding exon 16 of the TNXB gene, results from a C to T substitution at nucleotide position 6187. The arginine at codon 2063 is replaced by cysteine, an amino acid with highly dissimilar properties. This amino acid position is conserved. In addition, this alteration is predicted to be tolerated by in silico analysis. Based on the available evidence, the clinical significance of this variant remains unclear.

GeneDx
Classification: Uncertain significance. Last evaluated: 2021-01-14. Review status: criteria provided, single submitter. Criteria: GeneDx Variant Classification Process June 2021. Collection method: clinical testing. Allele origin: germline. Affected: yes.
Comment: Has not been previously published as pathogenic or benign to our knowledge; Not observed at a significant frequency in large population cohorts (Lek et al., 2016); In silico analysis supports that this missense variant has a deleterious effect on protein structure/function